The following is an entry in ClinVar:

ClinVar aggregate classification (germline): Uncertain significance. Review status: criteria provided, multiple submitters, no conflicts (2 of 4 stars). 3 submissions from 3 submitters: Uncertain significance (3). Last evaluated 2025-07-08.

Conditions:
Hereditary cancer-predisposing syndrome. Also called: Neoplastic Syndromes, Hereditary; Tumor predisposition; Hereditary Cancer Syndrome; Hereditary neoplastic syndrome. Identifiers: Orphanet 140162, MedGen C0027672, MeSH D009386, MONDO:0015356.
Ataxia-telangiectasia syndrome (AT). Also called: ATAXIA-TELANGIECTASIA, COMPLEMENTATION GROUP A; ATAXIA-TELANGIECTASIA, FRESNO VARIANT; Ataxia-telangiectasia; Ataxia-telangiectasia, complementation group D; AT, COMPLEMENTATION GROUP C; Ataxia-telangiectasia, complementation group E. Identifiers: Orphanet 100, MedGen C0004135, MONDO:0008840, OMIM 208900.

Allele frequency attached by ClinVar (database versions not stated): gnomAD exomes below 0.00001.
gnomAD v4.1: 1 of 1,613,948 alleles (0.000062%); highest among the groups gnomAD compares: African/African-American, 0.0013%; no homozygotes.

Submissions (3):

Labcorp Genetics (formerly Invitae), Labcorp
Classification: Uncertain significance for Ataxia-telangiectasia syndrome. Last evaluated: 2025-07-08. Review status: criteria provided, single submitter. Criteria: Invitae Variant Classification Sherloc (09022015). Collection method: clinical testing. Allele origin: germline.
Comment: This sequence change replaces isoleucine, which is neutral and non-polar, with valine, which is neutral and non-polar, at codon 1681 of the ATM protein (p.Ile1681Val). This variant is present in population databases (no rsID available, gnomAD 0.007%). This variant has not been reported in the literature in individuals affected with ATM-related conditions. ClinVar contains an entry for this variant (Variation ID: 524401). Invitae Evidence Modeling of protein sequence and biophysical properties (such as structural, functional, and spatial information, amino acid conservation, physicochemical variation, residue mobility, and thermodynamic stability) indicates that this missense variant is not expected to disrupt ATM protein function with a negative predictive value of 95%. In summary, the available evidence is currently insufficient to determine the role of this variant in disease. Therefore, it has been classified as a Variant of Uncertain Significance.

Ambry Genetics
Classification: Uncertain significance for Hereditary cancer-predisposing syndrome. Last evaluated: 2025-04-04. Review status: criteria provided, single submitter. Criteria: Ambry Variant Classification Scheme 2023. Collection method: clinical testing. Allele origin: germline.
Comment: The p.I1681V variant (also known as c.5041A>G), located in coding exon 33 of the ATM gene, results from an A to G substitution at nucleotide position 5041. The isoleucine at codon 1681 is replaced by valine, an amino acid with highly similar properties. This amino acid position is not well conserved in available vertebrate species. In addition, this alteration is predicted to be tolerated by in silico analysis. Since supporting evidence is limited at this time, the clinical significance of this alteration remains unclear.

Color Diagnostics, LLC DBA Color Health
Classification: Uncertain significance for Hereditary cancer-predisposing syndrome. Last evaluated: 2019-06-22. Review status: criteria provided, single submitter. Criteria: ACMG Guidelines, 2015. Collection method: clinical testing. Allele origin: germline.

NM_000051.4(ATM):c.5041A>G (p.Ile1681Val)

Gene: ATM (ATM serine/threonine kinase; plus strand). Cytogenetic location: 11q22.3.
Variant type: single nucleotide variant.
Coding change: c.5041A>G on transcript NM_000051.4 (MANE Select); coding-DNA position 5041, A replaced by G.
Protein change: p.Ile1681Val; replaces isoleucine 1681 with valine.
Molecular consequence: missense variant.
Genome position (GRCh38, 1-based): chr11:108,299,749, A>G. VCF-style: chr11-108299749-A-G. GRCh37 (hg19) VCF-style: chr11-108170476-A-G.
Other names: c.5041A>G, p.Ile1681Val (NM_001351834.2); short protein forms I1681V.
Identifiers: ClinVar variation 524401 (VCV000524401.16), dbSNP rs1298268285, ClinGen allele CA382540342.